The following is an entry in ClinVar:

NM_018975.4(TERF2IP):c.1037C>T (p.Thr346Ile)

Gene: TERF2IP (TERF2 interacting protein; plus strand). Cytogenetic location: 16q23.1.
Variant type: single nucleotide variant.
Coding change: c.1037C>T on transcript NM_018975.4 (MANE Select); coding-DNA position 1037, C replaced by T.
Protein change: p.Thr346Ile; replaces threonine 346 with isoleucine.
Molecular consequence: missense variant. On other transcripts: non-coding transcript variant (1).
Genome position (GRCh38, 1-based): chr16:75,656,448, C>T. VCF-style: chr16-75656448-C-T. GRCh37 (hg19) VCF-style: chr16-75690346-C-T.
Other names: short protein forms T346I.
Identifiers: ClinVar variation 2563445 (VCV002563445.2), dbSNP rs975544460, ClinGen allele CA284340090.

ClinVar aggregate classification (germline): Uncertain significance (1 of 4 stars; one submission).

Submission:

Ambry Genetics
Classification: Uncertain significance. Last evaluated: 2023-03-15. Review status: criteria provided, single submitter. Criteria: Ambry Variant Classification Scheme 2023. Collection method: clinical testing. Allele origin: germline.
Comment: The p.T346I variant (also known as c.1037C>T), located in coding exon 3 of the TERF2IP gene, results from a C to T substitution at nucleotide position 1037. The threonine at codon 346 is replaced by isoleucine, an amino acid with similar properties. This amino acid position is conserved. In addition, the in silico prediction for this alteration is inconclusive. Since supporting evidence is limited at this time, the clinical significance of this alteration remains unclear.